The following is an entry in ClinVar:

NM_000179.3(MSH6):c.3963A>C (p.Arg1321Ser)

Gene: MSH6 (mutS homolog 6; plus strand). Cytogenetic location: 2p16.3.
Variant type: single nucleotide variant.
Coding change: c.3963A>C on transcript NM_000179.3 (MANE Select); coding-DNA position 3963, A replaced by C.
Protein change: p.Arg1321Ser; replaces arginine 1321 with serine.
Molecular consequence: missense variant. On other transcripts: non-coding transcript variant (5), intron variant (1).
Genome position (GRCh38, 1-based): chr2:47,806,613, A>C. VCF-style: chr2-47806613-A-C. GRCh37 (hg19) VCF-style: chr2-48033752-A-C.
Other names: c.3573A>C, p.Arg1191Ser (NM_001281492.2); c.3057A>C, p.Arg1019Ser (NM_001281493.2, NM_001281494.2, NM_001406811.1 and 6 more transcripts); c.4059A>C, p.Arg1353Ser (NM_001406795.1); c.3963A>C, p.Arg1321Ser (NM_001406796.1, NM_001406808.1, NM_001406809.1); c.3666A>C, p.Arg1222Ser (NM_001406797.1, NM_001406801.1, NM_001406805.1 and 10 more transcripts); c.3789A>C, p.Arg1263Ser (NM_001406798.1); c.3438A>C, p.Arg1146Ser (NM_001406799.1, NM_001406806.1, NM_001406807.1); c.3950A>C, p.Glu1317Ala (NM_001406800.1); and 9 more; short protein forms E1317A, R1019S, R1033S, R1146S, R1191S, R1222S, R1263S, R1265S.
Identifiers: ClinVar variation 3230573 (VCV003230573.1), dbSNP rs267608125, ClinGen allele CA346761546.

ClinVar aggregate classification (germline): Uncertain significance (1 of 4 stars; one submission).

Conditions:
Hereditary cancer-predisposing syndrome. Also called: Neoplastic Syndromes, Hereditary; Tumor predisposition; Hereditary neoplastic syndrome; Hereditary Cancer Syndrome. Identifiers: Orphanet 140162, MedGen C0027672, MeSH D009386, MONDO:0015356.

Submission:

Ambry Genetics
Classification: Uncertain significance for Hereditary cancer-predisposing syndrome. Last evaluated: 2023-12-29. Review status: criteria provided, single submitter. Criteria: Ambry Variant Classification Scheme 2023. Collection method: clinical testing. Allele origin: germline.
Comment: The p.R1321S variant (also known as c.3963A>C), located in coding exon 9 of the MSH6 gene, results from an A to C substitution at nucleotide position 3963. The arginine at codon 1321 is replaced by serine, an amino acid with dissimilar properties. This amino acid position is well conserved in available vertebrate species. In addition, the in silico prediction for this alteration is inconclusive. Since supporting evidence is limited at this time, the clinical significance of this alteration remains unclear.